The following is an entry in ClinVar:

ClinVar aggregate classification (germline): Likely benign. Review status: criteria provided, single submitter (1 of 4 stars). 2 submissions from 2 submitters: Likely benign (1). 1 of the submissions does not count toward it. Last evaluated 2024-07-08.

Conditions:
CLRN1-related disorder. Also called: CLRN1-related condition.

Allele frequency attached by ClinVar (database versions not stated): gnomAD exomes 0.00017; ExAC 0.00103; gnomAD 0.00183; 1000 Genomes Project 0.00220; 1000 Genomes Project 30x 0.00250.

Submissions (2):

Blueprint Genetics
Classification: Likely benign. Last evaluated: 2024-07-08. Review status: criteria provided, single submitter. Criteria: ACMG Guidelines, 2015. Collection method: clinical testing. Allele origin: germline.

PreventionGenetics, part of Exact Sciences
Classification: Benign for CLRN1-related condition. Last evaluated: 2020-06-29. Review status: no assertion criteria provided. Collection method: clinical testing. Allele origin: germline. Not counted in ClinVar's aggregate classification.
Comment: This variant is classified as benign based on ACMG/AMP sequence variant interpretation guidelines (Richards et al. 2015 PMID: 25741868, with internal and published modifications).

NM_174878.3(CLRN1):c.254-2216C>A

Gene: CLRN1 (clarin 1; minus strand). Cytogenetic location: 3q25.1.
Variant type: single nucleotide variant.
Coding change: c.254-2216C>A on transcript NM_174878.3 (MANE Select); 2216 bases into the intron before coding-DNA position 254, C replaced by A.
Molecular consequence: intron variant. On other transcripts: missense variant (1), 5 prime UTR variant (1).
Genome position (GRCh38, 1-based): chr3:150,943,977, G>T on the plus strand (C>A on the coding strand, the complement: CLRN1 is on the minus strand). VCF-style: chr3-150943977-G-T. GRCh37 (hg19) VCF-style: chr3-150661764-G-T.
Other names: c.268C>A, p.Pro90Thr (NM_001256819.2); c.-133C>A (NM_052995.2); c.254-2216C>A (NM_001195794.1); short protein forms P90T.
Identifiers: ClinVar variation 3037394 (VCV003037394.3), dbSNP rs151190646, ClinGen allele CA2666154.